The following is an entry in ClinVar:

ClinVar aggregate classification (germline): Uncertain significance (1 of 4 stars; one submission).

Conditions:
SMARCE1-related disorder. Also called: SMARCE1-related condition.

Submission:

PreventionGenetics, part of Exact Sciences
Classification: Uncertain significance for SMARCE1-related condition. Last evaluated: 2025-01-02. Review status: criteria provided, single submitter. Criteria: ACMG Guidelines, 2015. Collection method: clinical testing. Allele origin: germline.
Comment: The SMARCE1 c.184C>T variant is predicted to result in the amino acid substitution p.Pro62Ser. To our knowledge, this variant has not been reported in the literature or in a large population database (gnomAD), indicating this variant is rare. At this time, the clinical significance of this variant is uncertain due to the absence of conclusive functional and genetic evidence.

NM_003079.5(SMARCE1):c.184C>T (p.Pro62Ser)

Gene: SMARCE1 (SWI/SNF related BAF chromatin remodeling complex subunit E1; minus strand). Cytogenetic location: 17q21.2.
Variant type: single nucleotide variant.
Coding change: c.184C>T on transcript NM_003079.5 (MANE Select); coding-DNA position 184, C replaced by T.
Protein change: p.Pro62Ser; replaces proline 62 with serine.
Molecular consequence: missense variant.
Genome position (GRCh38, 1-based): chr17:40,637,545, G>A on the plus strand (C>T on the coding strand, the complement: SMARCE1 is on the minus strand). VCF-style: chr17-40637545-G-A. GRCh37 (hg19) VCF-style: chr17-38793797-G-A.
Other names: short protein forms P62S.
Identifiers: ClinVar variation 4999755 (VCV004999755.1).
Genomic context (GRCh38, chr17:40,637,545, plus strand): 5'-CACCTACCTTTCTGCTGTACCTCATGTAGGGCATCAGCGGCTTATCTGGTGGCTTTGGGG[G>A]TTTTGGAATCGTGATACCAGAGGATGCCTACGAAAGAGTTAAATACATTCATTATTCAAC-3'
Protein context (NP_003070.3, residues 52-72): TASSGITIPK[Pro62Ser]PKPPDKPLMP